The following is an entry in ClinVar:

NM_014000.3(VCL):c.1499C>T (p.Ala500Val)

Gene: VCL (vinculin; plus strand). Cytogenetic location: 10q22.2.
Variant type: single nucleotide variant.
Coding change: c.1499C>T on transcript NM_014000.3 (MANE Select); coding-DNA position 1499, C replaced by T.
Protein change: p.Ala500Val; replaces alanine 500 with valine.
Molecular consequence: missense variant.
Genome position (GRCh38, 1-based): chr10:74,094,417, C>T. VCF-style: chr10-74094417-C-T. GRCh37 (hg19) VCF-style: chr10-75854175-C-T.
Other names: c.1499C>T, p.Ala500Val (NM_003373.4); short protein forms A500V.
Identifiers: ClinVar variation 4725837 (VCV004725837.1).

ClinVar aggregate classification (germline): Uncertain significance (1 of 4 stars; one submission).

Conditions:
Dilated cardiomyopathy 1W (CMD1W). Identifiers: Orphanet 154, MedGen C1969639, MONDO:0012667, OMIM 611407.

Submission:

Labcorp Genetics (formerly Invitae), Labcorp
Classification: Uncertain significance for Dilated cardiomyopathy 1W. Last evaluated: 2025-08-22. Review status: criteria provided, single submitter. Criteria: Invitae Variant Classification Sherloc (09022015). Collection method: clinical testing. Allele origin: germline.
Comment: This sequence change replaces alanine, which is neutral and non-polar, with valine, which is neutral and non-polar, at codon 500 of the VCL protein (p.Ala500Val). This variant is not present in population databases (gnomAD no frequency). This variant has not been reported in the literature in individuals affected with VCL-related conditions. An algorithm developed to predict the effect of missense changes on protein structure and function (PolyPhen-2) suggests that this variant is likely to be disruptive. In summary, the available evidence is currently insufficient to determine the role of this variant in disease. Therefore, it has been classified as a Variant of Uncertain Significance.